The following is an entry in ClinVar:

NM_001079872.2(CUL4B):c.481TCT[1] (p.Ser162del)

Genes: CUL4B (cullin 4B; minus strand), LOC113845788 (Sharpr-MPRA regulatory region 11856; plus strand). Cytogenetic location: Xq24.
Variant type: Microsatellite.
Coding change: c.481TCT[1] on transcript NM_001079872.2 (MANE Select); one copy of the 3-base unit TCT starting at c.481; the reference has two copies in a row; one copy, 3 bases deleted; also written c.484_486del.
Protein change: p.Ser162del; deletes serine 162.
Molecular consequence: inframe deletion.
Genome position (GRCh38, 1-based): chrX:120,560,153-120,560,155, AGA deleted on the plus strand (TCT on the coding strand, the reverse complement: CUL4B is on the minus strand); deleting any 3 consecutive bases within chrX:120,560,153-120,560,158 gives the same sequence; the position shown is the placement nearest the transcript's 3' end. VCF-style (leftmost placement, unchanged base first): chrX-120560152-TAGA-T. GRCh37 (hg19) VCF-style: chrX-119694007-TAGA-T.
Other names: c.538_540del (NM_003588.3); c.484_486del (NM_001079872.2); c.496TCT[1], p.Ser167del (NM_001330624.2); c.535TCT[1], p.Ser180del (NM_003588.4); short protein forms S180del, S162del, S167del.
Identifiers: ClinVar variation 2892426 (VCV002892426.7), dbSNP rs2521197676, ClinGen allele CA2569755885.

ClinVar aggregate classification (germline): Uncertain significance. Review status: criteria provided, multiple submitters, no conflicts (2 of 4 stars). 4 submissions from 4 submitters: Uncertain significance (4). Last evaluated 2025-06-05.

Conditions:
X-linked intellectual disability Cabezas type (MRXSC). Also called: CABEZAS SYNDROME; MENTAL RETARDATION, X-LINKED, SYNDROMIC 15; Intellectual developmental disorder, X-linked syndromic, Cabezas type. Identifiers: Orphanet 85289, Orphanet 85293, MedGen C1845861, MONDO:0010306, OMIM 300354.

Submissions (4):

GeneDx
Classification: Uncertain significance. Last evaluated: 2025-06-05. Review status: criteria provided, single submitter. Criteria: GeneDx Variant Classification Process June 2021. Collection method: clinical testing. Allele origin: germline. Affected: yes.
Comment: In-frame deletion of 1 amino acid(s) in a non-repeat region; Not observed at significant frequency in large population cohorts (gnomAD); In silico analysis supports a deleterious effect on protein structure/function; Has not been previously published as pathogenic or benign to our knowledge

Neuberg Centre For Genomic Medicine, NCGM
Classification: Uncertain significance for X-linked intellectual disability Cabezas type. Last evaluated: 2024-02-01. Review status: criteria provided, single submitter. Criteria: ACMG Guidelines, 2015. Collection method: clinical testing. Allele origin: germline. Inheritance: X-linked recessive inheritance.
Comment: This variant, c.538_540del, results in the deletion of 1 amino acid(s) of the CUL4B protein (p.Ser180del), but otherwise preserves the integrity of the reading frame. Additional functional studies will be required to prove the pathogenicity of this variant conclsuively

Blueprint Genetics
Classification: Uncertain significance. Last evaluated: 2023-07-18. Review status: criteria provided, single submitter. Criteria: ACMG Guidelines, 2015. Collection method: clinical testing. Allele origin: germline.

Labcorp Genetics (formerly Invitae), Labcorp
Classification: Uncertain significance for X-linked intellectual disability Cabezas type. Last evaluated: 2023-04-10. Review status: criteria provided, single submitter. Criteria: Invitae Variant Classification Sherloc (09022015). Collection method: clinical testing. Allele origin: germline.
Comment: In summary, the available evidence is currently insufficient to determine the role of this variant in disease. Therefore, it has been classified as a Variant of Uncertain Significance. Experimental studies and prediction algorithms are not available or were not evaluated, and the functional significance of this variant is currently unknown. This variant has not been reported in the literature in individuals affected with CUL4B-related conditions. This variant is not present in population databases (gnomAD no frequency). This variant, c.538_540del, results in the deletion of 1 amino acid(s) of the CUL4B protein (p.Ser180del), but otherwise preserves the integrity of the reading frame.